The following is an entry in ClinVar:

ClinVar aggregate classification (germline): Uncertain significance (1 of 4 stars; one submission).

Allele frequency attached by ClinVar (database versions not stated): gnomAD exomes below 0.00001.
gnomAD v4.1: 2 of 1,551,490 alleles (0.00013%); highest among the groups gnomAD compares: East Asian, 0.0049%; no homozygotes.

Submission:

Labcorp Genetics (formerly Invitae), Labcorp
Classification: Uncertain significance. Last evaluated: 2024-12-02. Review status: criteria provided, single submitter. Criteria: Invitae Variant Classification Sherloc (09022015). Collection method: clinical testing. Allele origin: germline.
Comment: This sequence change replaces alanine, which is neutral and non-polar, with threonine, which is neutral and polar, at codon 781 of the CPLANE1 protein (p.Ala781Thr). This variant is not present in population databases (gnomAD no frequency). This variant has not been reported in the literature in individuals affected with CPLANE1-related conditions. ClinVar contains an entry for this variant (Variation ID: 2090630). Invitae Evidence Modeling of protein sequence and biophysical properties (such as structural, functional, and spatial information, amino acid conservation, physicochemical variation, residue mobility, and thermodynamic stability) indicates that this missense variant is not expected to disrupt CPLANE1 protein function with a negative predictive value of 95%. Algorithms developed to predict the effect of sequence changes on RNA splicing suggest that this variant may disrupt the consensus splice site. In summary, the available evidence is currently insufficient to determine the role of this variant in disease. Therefore, it has been classified as a Variant of Uncertain Significance.

NM_001384732.1(CPLANE1):c.2341G>A (p.Ala781Thr)

Gene: CPLANE1 (ciliogenesis and planar polarity effector complex subunit 1; minus strand). Cytogenetic location: 5p13.2.
Variant type: single nucleotide variant.
Coding change: c.2341G>A on transcript NM_001384732.1 (MANE Select); coding-DNA position 2341, G replaced by A.
Protein change: p.Ala781Thr; replaces alanine 781 with threonine.
Molecular consequence: missense variant.
Genome position (GRCh38, 1-based): chr5:37,224,691, C>T on the plus strand (G>A on the coding strand, the complement: CPLANE1 is on the minus strand). VCF-style: chr5-37224691-C-T. GRCh37 (hg19) VCF-style: chr5-37224793-C-T.
Other names: c.2341G>A, p.Ala781Thr (NM_023073.4); short protein forms A781T.
Identifiers: ClinVar variation 2090630 (VCV002090630.4), dbSNP rs1796060509, ClinGen allele CA359493445.
Genomic context (GRCh38, chr5:37,224,691, plus strand): 5'-CATGTGTCATCTTTTCAGTTAACTGACTATCAGCTTCAGGAACTCTTCGATTTAATTGTG[C>T]TTGATACCATAAAGTTTTTTTGTACAGTATTCTCCAGAGAATAAGCAATCTGCACATAAA-3'
Protein context (NP_001371661.1, residues 771-791): ILYKKTLWYQ[Ala781Thr]QLNRRVPEAD